The following is an entry in ClinVar:

ClinVar aggregate classification (germline): Uncertain significance (1 of 4 stars; one submission).

Conditions:
Primary ciliary dyskinesia. Also called: Ciliary dyskinesia. Identifiers: Orphanet 244, MedGen C0008780, MONDO:0016575, HP:0012265.

Allele frequency attached by ClinVar (database versions not stated): gnomAD 0.00001; TOPMed 0.00002.
gnomAD v4.1: 2 of 1,614,014 alleles (0.00012%); highest among the groups gnomAD compares: African/African-American, 0.0027%; no homozygotes.

Submission:

Labcorp Genetics (formerly Invitae), Labcorp
Classification: Uncertain significance for Primary ciliary dyskinesia. Last evaluated: 2019-09-29. Review status: criteria provided, single submitter. Criteria: Invitae Variant Classification Sherloc (09022015). Collection method: clinical testing. Allele origin: germline.
Comment: In summary, the available evidence is currently insufficient to determine the role of this variant in disease. Therefore, it has been classified as a Variant of Uncertain Significance. Algorithms developed to predict the effect of missense changes on protein structure and function output the following: SIFT: "Tolerated"; PolyPhen-2: "Benign"; Align-GVGD: "Class C0". The isoleucine amino acid residue is found in multiple mammalian species, suggesting that this missense change does not adversely affect protein function. These predictions have not been confirmed by published functional studies and their clinical significance is uncertain. This variant has not been reported in the literature in individuals with DNAI1-related conditions. This variant is not present in population databases (ExAC no frequency). This sequence change replaces threonine with isoleucine at codon 173 of the DNAI1 protein (p.Thr173Ile). The threonine residue is weakly conserved and there is a moderate physicochemical difference between threonine and isoleucine.

NM_012144.4(DNAI1):c.518C>T (p.Thr173Ile)

Gene: DNAI1 (dynein axonemal intermediate chain 1; plus strand). Cytogenetic location: 9p13.3.
Variant type: single nucleotide variant.
Coding change: c.518C>T on transcript NM_012144.4 (MANE Select); coding-DNA position 518, C replaced by T.
Protein change: p.Thr173Ile; replaces threonine 173 with isoleucine.
Molecular consequence: missense variant.
Genome position (GRCh38, 1-based): chr9:34,490,385, C>T. VCF-style: chr9-34490385-C-T. GRCh37 (hg19) VCF-style: chr9-34490383-C-T.
Other names: c.530C>T, p.Thr177Ile (NM_001281428.2); short protein forms T173I, T177I.
Identifiers: ClinVar variation 938864 (VCV000938864.8), dbSNP rs1400236913, ClinGen allele CA373246584.